The following is an entry in ClinVar:

NM_182746.3(MCM4):c.1948T>A (p.Leu650Met)

Gene: MCM4 (minichromosome maintenance complex component 4; plus strand). Cytogenetic location: 8q11.21.
Variant type: single nucleotide variant.
Coding change: c.1948T>A on transcript NM_182746.3 (MANE Select); coding-DNA position 1948, T replaced by A.
Protein change: p.Leu650Met; replaces leucine 650 with methionine.
Molecular consequence: missense variant.
Genome position (GRCh38, 1-based): chr8:47,972,876, T>A. VCF-style: chr8-47972876-T-A. GRCh37 (hg19) VCF-style: chr8-48885436-T-A.
Other names: c.1948T>A, p.Leu650Met (NM_005914.4); short protein forms L650M.
Identifiers: ClinVar variation 363238 (VCV000363238.22), dbSNP rs762679, ClinGen allele CA4742762.
Genomic context (GRCh38, chr8:47,972,876, plus strand): 5'-CAAGGTGCTGGAAAAACAGTATTTTTACTTTGTTTTCTTAGGTTTGATTTGATCTTCCTC[T>A]TGCTGGACCCTCAGGACGAAGCCTATGACAGGCGTCTGGCTCACCACCTGGTCGCACTGT-3'
Protein context (NP_877423.1, residues 640-660): LLSRFDLIFL[Leu650Met]LDPQDEAYDR

ClinVar aggregate classification (germline): Benign. Review status: criteria provided, multiple submitters, no conflicts (2 of 4 stars). 7 submissions from 7 submitters: Benign (7). Last evaluated 2026-02-04.

Conditions:
Primary immunodeficiency with natural-killer cell deficiency and adrenal insufficiency (IMD54). Also called: Natural killer cell and glucocorticoid deficiency with DNA repair defect; IMMUNODEFICIENCY 54. Identifiers: Orphanet 75391, MedGen C1864947, MONDO:0012383, OMIM 609981.

Allele frequency attached by ClinVar (database versions not stated): gnomAD exomes 0.85949 and 0.87156; ExAC 0.86686; ESP Exome Variant Server 0.87298; gnomAD 0.88261 and 0.88275; TOPMed 0.89080; 1000 Genomes Project 0.91414; 1000 Genomes Project 30x 0.91443.

Submissions (7):

Labcorp Genetics (formerly Invitae), Labcorp
Classification: Benign. Last evaluated: 2026-02-04. Review status: criteria provided, single submitter. Criteria: Invitae Variant Classification Sherloc (09022015). Collection method: clinical testing. Allele origin: germline.

Unidad de Genómica Garrahan, Hospital de Pediatría Garrahan
Classification: Benign. Last evaluated: 2023-11-12. Review status: criteria provided, single submitter. Criteria: ACMG Guidelines, 2015. Collection method: clinical testing. Allele origin: germline. Affected: no. Observed: 95 variant alleles.
Comment: This variant is classified as Benign based on local population frequency. This variant was detected in 99% of patients studied by a panel of primary immunodeficiencies. Number of patients: 95. Only high quality variants are reported.

Genome-Nilou Lab
Classification: Benign for Primary immunodeficiency with natural-killer cell deficiency and adrenal insufficiency. Last evaluated: 2021-09-05. Review status: criteria provided, single submitter. Criteria: ACMG Guidelines, 2015. Collection method: clinical testing. Allele origin: germline. Affected: no.

Mendelics
Classification: Benign for Primary immunodeficiency with natural-killer cell deficiency and adrenal insufficiency. Last evaluated: 2019-05-28. Review status: criteria provided, single submitter. Criteria: Mendelics Assertion Criteria 2017. Collection method: clinical testing. Allele origin: unknown.

Illumina Laboratory Services, Illumina
Classification: Benign for Primary immunodeficiency with natural-killer cell deficiency and adrenal insufficiency. Last evaluated: 2018-01-12. Review status: criteria provided, single submitter. Criteria: ICSL Variant Classification Criteria 13 December 2019. Collection method: clinical testing. Allele origin: germline.
Comment: This variant was observed in the ICSL laboratory as part of a predisposition screen in an ostensibly healthy population. It had not been previously curated by ICSL or reported in the Human Gene Mutation Database (HGMD: prior to June 1st, 2018), and was therefore a candidate for classification through an automated scoring system. Utilizing variant allele frequency, disease prevalence and penetrance estimates, and inheritance mode, an automated score was calculated to assess if this variant is too frequent to cause the disease. Based on the score and internal cut-off values, a variant classified as benign is not then subjected to further curation. The score for this variant resulted in a classification of benign for this disease.

Laboratory for Molecular Medicine, Mass General Brigham Personalized Medicine
Classification: Benign. Last evaluated: 2016-03-29. Review status: criteria provided, single submitter. Criteria: LMM Criteria. Collection method: clinical testing. Allele origin: germline.
Comment: Variant identified in a genome or exome case(s) and assessed due to predicted null impact of the variant or pathogenic assertions in the literature or databases. Disclaimer: This variant has not undergone full assessment. The following are preliminary notes: Frequency

Breakthrough Genomics
Classification: Benign. Review status: criteria provided, single submitter. Criteria: ACMG Guidelines, 2015. Collection method: not provided. Allele origin: germline. Inheritance: Autosomal recessive inheritance. Affected: yes.